The following is an entry in ClinVar:

ClinVar aggregate classification (germline): Uncertain significance (1 of 4 stars; one submission).

Submission:

Labcorp Genetics (formerly Invitae), Labcorp
Classification: Uncertain significance. Last evaluated: 2021-12-31. Review status: criteria provided, single submitter. Criteria: Invitae Variant Classification Sherloc (09022015). Collection method: clinical testing. Allele origin: germline.
Comment: In summary, the available evidence is currently insufficient to determine the role of this variant in disease. Therefore, it has been classified as a Variant of Uncertain Significance. Advanced modeling of protein sequence and biophysical properties (such as structural, functional, and spatial information, amino acid conservation, physicochemical variation, residue mobility, and thermodynamic stability) performed at Invitae indicates that this missense variant is not expected to disrupt ABCA4 protein function. This variant has not been reported in the literature in individuals affected with ABCA4-related conditions. This variant is not present in population databases (gnomAD no frequency). This sequence change replaces arginine, which is basic and polar, with leucine, which is neutral and non-polar, at codon 1300 of the ABCA4 protein (p.Arg1300Leu).

NM_000350.3(ABCA4):c.3899G>T (p.Arg1300Leu)

Gene: ABCA4 (ATP binding cassette subfamily A member 4; minus strand). Cytogenetic location: 1p22.1.
Variant type: single nucleotide variant.
Coding change: c.3899G>T on transcript NM_000350.3 (MANE Select); coding-DNA position 3899, G replaced by T.
Protein change: p.Arg1300Leu; replaces arginine 1300 with leucine.
Molecular consequence: missense variant.
Genome position (GRCh38, 1-based): chr1:94,032,007, C>A on the plus strand (G>T on the coding strand, the complement: ABCA4 is on the minus strand). VCF-style: chr1-94032007-C-A. GRCh37 (hg19) VCF-style: chr1-94497563-C-A.
Other names: c.3677G>T, p.Arg1226Leu (NM_001425324.1); short protein forms R1300L, R1226L.
Identifiers: ClinVar variation 2067156 (VCV002067156.4), dbSNP rs61750129, ClinGen allele CA341287799.